The following is an entry in ClinVar:

NM_001145.4(ANG):c.-383C>G

Genes: ANG (angiogenin; plus strand), LOC130055269 (ATAC-STARR-seq lymphoblastoid silent region 5574; plus strand). Cytogenetic location: 14q11.2.
Variant type: single nucleotide variant.
Coding change: c.-383C>G on transcript NM_001145.4; 383 bases upstream of the start codon, C replaced by G.
Molecular consequence: 5 prime UTR variant.
Genome position (GRCh38, 1-based): chr14:20,684,394, C>G. VCF-style: chr14-20684394-C-G. GRCh37 (hg19) VCF-style: chr14-21152553-C-G.
Identifiers: ClinVar variation 312766 (VCV000312766.7), dbSNP rs113950902, ClinGen allele CA10643890.

ClinVar aggregate classification (germline): Benign (1 of 4 stars; one submission).

Conditions:
Amyotrophic lateral sclerosis type 9 (ALS9). Identifiers: Orphanet 803, MedGen C2678468, MONDO:0012753, OMIM 611895.

Allele frequency attached by ClinVar (database versions not stated): gnomAD 0.00130 and 0.00124; 1000 Genomes Project 30x 0.00344; 1000 Genomes Project 0.00419; TOPMed 0.00162.

Submission:

Illumina Laboratory Services, Illumina
Classification: Benign for Amyotrophic lateral sclerosis type 9. Last evaluated: 2018-01-13. Review status: criteria provided, single submitter. Criteria: ICSL Variant Classification Criteria 13 December 2019. Collection method: clinical testing. Allele origin: germline.
Comment: This variant was observed in the ICSL laboratory as part of a predisposition screen in an ostensibly healthy population. It had not been previously curated by ICSL or reported in the Human Gene Mutation Database (HGMD: prior to June 1st, 2018), and was therefore a candidate for classification through an automated scoring system. Utilizing variant allele frequency, disease prevalence and penetrance estimates, and inheritance mode, an automated score was calculated to assess if this variant is too frequent to cause the disease. Based on the score and internal cut-off values, a variant classified as benign is not then subjected to further curation. The score for this variant resulted in a classification of benign for this disease.